The following is an entry in ClinVar:

NM_004168.4(SDHA):c.858T>A (p.Pro286=)

Gene: SDHA (succinate dehydrogenase complex flavoprotein subunit A; plus strand). Cytogenetic location: 5p15.33.
Variant type: single nucleotide variant.
Coding change: c.858T>A on transcript NM_004168.4 (MANE Select); coding-DNA position 858, T replaced by A.
Protein change: p.Pro286=; no amino-acid change (proline 286 retained).
Molecular consequence: synonymous variant.
Genome position (GRCh38, 1-based): chr5:230,963, T>A. VCF-style: chr5-230963-T-A. GRCh37 (hg19) VCF-style: chr5-231078-T-A.
Other names: c.714T>A, p.Pro238= (NM_001294332.2); c.858T>A, p.Pro286= (NM_001330758.2).
Identifiers: ClinVar variation 480786 (VCV000480786.17), dbSNP rs1553998661, ClinGen allele CA442691515.

ClinVar aggregate classification (germline): Benign/Likely benign. Review status: criteria provided, multiple submitters, no conflicts (2 of 4 stars). 3 submissions from 3 submitters: Benign (1); Likely benign (2). Last evaluated 2026-01-04.

Conditions:
Hereditary cancer-predisposing syndrome. Also called: Neoplastic Syndromes, Hereditary; Hereditary Cancer Syndrome; Hereditary neoplastic syndrome; Tumor predisposition. Identifiers: Orphanet 140162, MedGen C0027672, MeSH D009386, MONDO:0015356.
Pheochromocytoma/paraganglioma syndrome 5. Also called: Paragangliomas 5; SDHA-Related Hereditary Paraganglioma-Pheochromocytoma Syndrome. Identifiers: Orphanet 29072, MedGen C3279992, MONDO:0013602, OMIM 614165.
Mitochondrial complex II deficiency, nuclear type 1. Also called: SUCCINATE CoQ REDUCTASE DEFICIENCY. Identifiers: Orphanet 3208, MedGen C5700310, MONDO:0100294, OMIM 252011.

Allele frequency attached by ClinVar (database versions not stated): gnomAD exomes below 0.00001; TOPMed below 0.00001; gnomAD 0.00001.
gnomAD v4.1: 3 of 1,613,876 alleles (0.00019%); highest among the groups gnomAD compares: Non-Finnish European, 0.00025%; no homozygotes.

Submissions (3):

Labcorp Genetics (formerly Invitae), Labcorp
Classification: Likely benign for Pheochromocytoma/paraganglioma syndrome 5; Mitochondrial complex II deficiency, nuclear type 1. Last evaluated: 2026-01-04. Review status: criteria provided, single submitter. Criteria: Invitae Variant Classification Sherloc (09022015). Collection method: clinical testing. Allele origin: germline.

Myriad Genetics, Inc.
Classification: Benign for Pheochromocytoma/paraganglioma syndrome 5. Last evaluated: 2025-03-03. Review status: criteria provided, single submitter. Criteria: Myriad Autosomal Dominant, Autosomal Recessive and X-Linked Classification Criteria (2023). Collection method: clinical testing. Allele origin: unknown.
Comment: This variant is considered benign. This variant is a silent/synonymous amino acid change and it is not expected to impact splicing.

Ambry Genetics
Classification: Likely benign for Hereditary cancer-predisposing syndrome. Last evaluated: 2016-09-08. Review status: criteria provided, single submitter. Criteria: Ambry Variant Classification Scheme 2023. Collection method: clinical testing. Allele origin: germline.